The following is an entry in ClinVar:

NM_001128425.2(MUTYH):c.2T>A (p.Met1Lys)

Genes: MUTYH (mutY DNA glycosylase; minus strand), TOE1 (target of EGR1, exonuclease; plus strand). Cytogenetic location: 1p34.1.
Variant type: single nucleotide variant.
Coding change: c.2T>A on transcript NM_001128425.2 (MANE Plus Clinical); coding-DNA position 2, T replaced by A.
Protein change: p.Met1Lys; changes the start codon (methionine 1).
Molecular consequence: missense variant, initiator codon variant. On other transcripts: 5 prime UTR variant (7), non-coding transcript variant (3).
Genome position (GRCh38, 1-based): chr1:45,340,253, A>T on the plus strand (T>A on the coding strand, the complement: MUTYH is on the minus strand). VCF-style: chr1-45340253-A-T. GRCh37 (hg19) VCF-style: chr1-45805925-A-T.
Other names: c.1A>T, p.Met1Leu (NM_025077.4); c.-41T>A (NM_001048171.2); c.2T>A, p.Met1Lys (NM_001293190.2, NM_001407069.1, NM_001407073.1 and 1 more transcripts); c.-253T>A (NM_001293192.2); c.-312T>A (NM_001350650.2); c.-248T>A (NM_001350651.2); c.-57T>A (NM_001407070.1, NM_001407071.1); c.-37T>A (NM_001407072.1); short protein forms M1K, M1L.
Identifiers: ClinVar variation 1009956 (VCV001009956.38), dbSNP rs865954220, ClinGen allele CA340137926.

ClinVar aggregate classification (germline): Uncertain significance. Review status: criteria provided, multiple submitters, no conflicts (2 of 4 stars). 2 submissions from 2 submitters: Uncertain significance (2). Last evaluated 2026-01-26.

Conditions:
Familial adenomatous polyposis 2. Also called: MUTYH-associated polyposis; MUTYH-related attenuated familial adenomatous polyposis; COLORECTAL ADENOMATOUS POLYPOSIS, AUTOSOMAL RECESSIVE; ADENOMAS, MULTIPLE COLORECTAL, AUTOSOMAL RECESSIVE; MYH-associated polyposis; MUTYH Polyposis. Identifiers: Orphanet 220460, Orphanet 247798, MedGen C3272841, MONDO:0012041, OMIM 608456.
Hereditary cancer-predisposing syndrome. Also called: Neoplastic Syndromes, Hereditary; Tumor predisposition; Hereditary Cancer Syndrome; Hereditary neoplastic syndrome. Identifiers: Orphanet 140162, MedGen C0027672, MeSH D009386, MONDO:0015356.

Submissions (2):

Ambry Genetics
Classification: Uncertain significance for Hereditary cancer-predisposing syndrome. Last evaluated: 2026-01-26. Review status: criteria provided, single submitter. Criteria: Ambry Variant Classification Scheme 2023. Collection method: clinical testing. Allele origin: germline.
Comment: The p.M1? variant (also known as c.2T>A), located in coding exon 1 of the MUTYH gene, results from a T to A substitution at nucleotide position 2. This alters the methionine residue at the initiation codon. However, there are alternative initiation (or start) codons in other biologically relevant transcripts. The MUTYH gene contains two alternate initiation sites located at codon 15 and 54 producing the beta and gamma isoforms of the protein (Parker AR, Cell. Mol. Life Sci. 2003 Oct; 60(10):2064-83). These isoforms have been shown to be expressed in a wide variety of tissue types, although at lower levels than the M1-alpha isoform, and lacking the mitochondrial localization signal located in the first 14 amino acids (Plotz G, Hum. Mutat. 2012 Jul; 33(7):1067-74). This amino acid position is well conserved in available vertebrate species. Based on the available evidence, the clinical significance of this variant remains unclear.

Labcorp Genetics (formerly Invitae), Labcorp
Classification: Uncertain significance for Familial adenomatous polyposis 2. Last evaluated: 2020-02-28. Review status: criteria provided, single submitter. Criteria: Invitae Variant Classification Sherloc (09022015). Collection method: clinical testing. Allele origin: germline.
Comment: This variant is not present in population databases (ExAC no frequency). This variant has not been reported in the literature in individuals with MUTYH-related conditions. In summary, the available evidence is currently insufficient to determine the role of this variant in disease. Therefore, it has been classified as a Variant of Uncertain Significance. This variant at the initiator codon is expected to affect translation initiation. However, there are alternative transcripts using downstream Met15 as an initiator codon that can potentially re-initiate the translation. Rescue of the translation may result in the N-terminal truncation missing mitochondrial localization signal (MLS) (residues 1-14), but the role of MLS is not well understood (PMID: 20725929). Therefore, it is uncertain whether this variant results in an absent or disrupted protein product. This sequence change affects the initiator methionine of the MUTYH mRNA. The next in-frame methionine is located at codon 15.

Literature cited by the submitters: PubMed 20725929 (cited by Labcorp Genetics (formerly Invitae), Labcorp).